The following is an entry in ClinVar:

NM_004646.4(NPHS1):c.2212+10_2212+27dup

Gene: NPHS1 (NPHS1 adhesion molecule, nephrin; minus strand). Cytogenetic location: 19q13.12.
Variant type: Duplication.
Coding change: c.2212+10_2212+27dup on transcript NM_004646.4 (MANE Select); bases 10 to 27 of the intron after coding-DNA position 2212, 18 bases duplicated (GCCCACCATGGAAACCAC).
Molecular consequence: intron variant.
Genome position (GRCh38, 1-based): chr19:35,844,076-35,844,093, GTGGTTTCCATGGTGGGC duplicated on the plus strand (GCCCACCATGGAAACCAC on the coding strand, the reverse complement: NPHS1 is on the minus strand); duplicating any 18 consecutive bases within chr19:35,844,076-35,844,094 gives the same sequence; the c. name uses the placement nearest the transcript's 3' end. VCF-style (leftmost placement, unchanged base first): chr19-35844075-T-TGTGGTTTCCATGGTGGGC. GRCh37 (hg19) VCF-style: chr19-36334977-T-TGTGGTTTCCATGGTGGGC.
Identifiers: ClinVar variation 1326195 (VCV001326195.8), dbSNP rs538463177, ClinGen allele CA9390205.

ClinVar aggregate classification (germline): Likely benign. Review status: criteria provided, multiple submitters, no conflicts (2 of 4 stars). 2 submissions from 2 submitters: Likely benign (2). Last evaluated 2025-10-01.

Submissions (2):

CeGaT Center for Human Genetics Tuebingen
Classification: Likely benign. Last evaluated: 2025-10-01. Review status: criteria provided, single submitter. Criteria: CeGaT Center For Human Genetics Tuebingen Variant Classification Criteria Version 2. Collection method: clinical testing. Allele origin: germline. Affected: yes. Observed: 1 variant allele.
Comment: NPHS1: BS1

GeneDx
Classification: Likely benign. Last evaluated: 2020-11-27. Review status: criteria provided, single submitter. Criteria: GeneDx Variant Classification Process June 2021. Collection method: clinical testing. Allele origin: germline. Affected: yes.